The following is an entry in ClinVar:

NM_006017.3(PROM1):c.1301+10T>A

Gene: PROM1 (prominin 1; minus strand). Cytogenetic location: 4p15.32.
Variant type: single nucleotide variant.
Coding change: c.1301+10T>A on transcript NM_006017.3 (MANE Select); 10 bases into the intron after coding-DNA position 1301, T replaced by A.
Molecular consequence: intron variant.
Genome position (GRCh38, 1-based): chr4:16,008,939, A>T on the plus strand (T>A on the coding strand, the complement: PROM1 is on the minus strand). VCF-style: chr4-16008939-A-T. GRCh37 (hg19) VCF-style: chr4-16010562-A-T.
Other names: c.1274+10T>A (NM_001145848.2, NM_001145852.2, NM_001145847.2 and 4 more transcripts); c.1301+10T>A (NM_001145850.2, NM_001145849.2).
Identifiers: ClinVar variation 899994 (VCV000899994.4), dbSNP rs192338518, ClinGen allele CA2866816.

ClinVar aggregate classification (germline): Conflicting classifications of pathogenicity. Review status: criteria provided, conflicting classifications (1 of 4 stars). 4 submissions from 1 submitter: Uncertain significance (2); Likely benign (2). Last evaluated 2018-01-13.

Conditions:
Retinitis pigmentosa (RP). Identifiers: Orphanet 791, MedGen C0035334, MeSH D012174, MONDO:0019200, OMIM 268000. Inheritance: Autosomal dominant, autosomal recessive and X linked inheritance.
Stargardt disease 4 (STGD4). Identifiers: Orphanet 827, MedGen C1863534, MONDO:0011370, OMIM 603786.
Cone-rod dystrophy 12 (CORD12). Identifiers: Orphanet 1872, MedGen C2675210, MONDO:0012983, OMIM 612657.
Retinal macular dystrophy type 2 (MCDR2). Also called: Bull's eye macular dystrophy. Identifiers: Orphanet 319640, MedGen C4749334, MONDO:0011957, OMIM 608051.

Allele frequency attached by ClinVar (database versions not stated): gnomAD 0.00004 and 0.00003; gnomAD exomes 0.00008 and 0.00001; ExAC 0.00010; 1000 Genomes Project 0.00020; 1000 Genomes Project 30x 0.00031; TOPMed 0.00001.
gnomAD v4.1: 21 of 1,568,850 alleles (0.0013%); highest among the groups gnomAD compares: East Asian, 0.045%; no homozygotes.

Submissions (4):

Illumina Laboratory Services, Illumina
Classification: Uncertain significance for Retinitis pigmentosa. Last evaluated: 2018-01-13. Review status: criteria provided, single submitter. Criteria: ICSL Variant Classification Criteria 13 December 2019. Collection method: clinical testing. Allele origin: germline.

Illumina Laboratory Services, Illumina
Classification: Uncertain significance for Retinal macular dystrophy type 2. Last evaluated: 2018-01-13. Review status: criteria provided, single submitter. Criteria: ICSL Variant Classification Criteria 13 December 2019. Collection method: clinical testing. Allele origin: germline.

Illumina Laboratory Services, Illumina
Classification: Likely benign for Stargardt disease 4. Last evaluated: 2018-01-13. Review status: criteria provided, single submitter. Criteria: ICSL Variant Classification Criteria 13 December 2019. Collection method: clinical testing. Allele origin: germline.
Comment: This variant was observed in the ICSL laboratory as part of a predisposition screen in an ostensibly healthy population. It had not been previously curated by ICSL or reported in the Human Gene Mutation Database (HGMD: prior to June 1st, 2018), and was therefore a candidate for classification through an automated scoring system. Utilizing variant allele frequency, disease prevalence and penetrance estimates, and inheritance mode, an automated score was calculated to assess if this variant is too frequent to cause the disease. Based on the score and internal cut-off values, a variant classified as likely benign is not then subjected to further curation. The score for this variant resulted in a classification of likely benign for this disease.

Illumina Laboratory Services, Illumina
Classification: Likely benign for Cone-rod dystrophy 12. Last evaluated: 2018-01-13. Review status: criteria provided, single submitter. Criteria: ICSL Variant Classification Criteria 13 December 2019. Collection method: clinical testing. Allele origin: germline.
Comment: the same text as in the submission from Illumina Laboratory Services, Illumina above.